The following is an entry in ClinVar:

NC_000003.11:g.(?_121973037)_(121973231_?)dup

Gene: CASR (calcium sensing receptor; plus strand). Cytogenetic location: 3q21.1.
Variant type: Duplication.
Identifiers: ClinVar variation 2423001 (VCV002423001.5).

ClinVar aggregate classification (germline): Uncertain significance (1 of 4 stars; one submission).

Conditions:
Familial hypocalciuric hypercalcemia (FHH). Also called: Familial benign hypercalcemia. Identifiers: Orphanet 405, MedGen C1809471, MONDO:0018458.
Autosomal dominant hypocalcemia 1 (HYPOC1). Also called: HYPOCALCEMIA, FAMILIAL. Identifiers: MedGen C3715128, MONDO:0011013, OMIM 601198.

Submission:

Labcorp Genetics (formerly Invitae), Labcorp
Classification: Uncertain significance for Familial hypocalciuric hypercalcemia; Autosomal dominant hypocalcemia 1. Last evaluated: 2022-03-18. Review status: criteria provided, single submitter. Criteria: Invitae Variant Classification Sherloc (09022015). Collection method: clinical testing. Allele origin: germline.
Comment: This variant results in a copy number gain of the genomic region encompassing exon(s) 2 of the CASR gene. This region includes the initiator codon of the gene. This copy number gain extends beyond the assayed region for this gene and therefore may encompass additional genes. As the precise location of this event is unknown, it may be in tandem or it may be located elsewhere in the genome. This variant has not been reported in the literature in individuals affected with CASR-related conditions. Experimental studies and prediction algorithms are not available or were not evaluated, and the functional significance of this variant is currently unknown. In summary, the available evidence is currently insufficient to determine the role of this variant in disease. Therefore, it has been classified as a Variant of Uncertain Significance.